The following is an entry in ClinVar:

ClinVar aggregate classification (germline): Uncertain significance. Review status: criteria provided, multiple submitters, no conflicts (2 of 4 stars). 3 submissions from 3 submitters: Uncertain significance (3). Last evaluated 2025-04-14.

Conditions:
RASopathy. Also called: rasopathies; Noonan spectrum disorder. Identifiers: Orphanet 536391, MedGen C5555857, MONDO:0021060.
Cardiovascular phenotype. Identifiers: MedGen CN230736.

Allele frequency attached by ClinVar (database versions not stated): gnomAD exomes 0.00002.
gnomAD v4.1: 22 of 1,614,216 alleles (0.0014%); highest among the groups gnomAD compares: Non-Finnish European, 0.0019%; no homozygotes.

Submissions (3):

Labcorp Genetics (formerly Invitae), Labcorp
Classification: Uncertain significance for RASopathy. Last evaluated: 2025-04-14. Review status: criteria provided, single submitter. Criteria: Invitae Variant Classification Sherloc (09022015). Collection method: clinical testing. Allele origin: germline.
Comment: This sequence change replaces aspartic acid, which is acidic and polar, with histidine, which is basic and polar, at codon 69 of the MAP2K2 protein (p.Asp69His). This variant is present in population databases (no rsID available, gnomAD 0.0009%). This variant has not been reported in the literature in individuals affected with MAP2K2-related conditions. ClinVar contains an entry for this variant (Variation ID: 2728999). Invitae Evidence Modeling of protein sequence and biophysical properties (such as structural, functional, and spatial information, amino acid conservation, physicochemical variation, residue mobility, and thermodynamic stability) has been performed for this missense variant. However, the output from this modeling did not meet the statistical confidence thresholds required to predict the impact of this variant on MAP2K2 protein function. In summary, the available evidence is currently insufficient to determine the role of this variant in disease. Therefore, it has been classified as a Variant of Uncertain Significance.

Ambry Genetics
Classification: Uncertain significance for Cardiovascular phenotype. Last evaluated: 2024-12-09. Review status: criteria provided, single submitter. Criteria: Ambry Variant Classification Scheme 2023. Collection method: clinical testing. Allele origin: germline.
Comment: The p.D69H variant (also known as c.205G>C), located in coding exon 2 of the MAP2K2 gene, results from a G to C substitution at nucleotide position 205. The aspartic acid at codon 69 is replaced by histidine, an amino acid with similar properties. This amino acid position is conserved. In addition, this alteration is predicted to be deleterious by in silico analysis. Based on the available evidence, the clinical significance of this variant remains unclear.

Blueprint Genetics
Classification: Uncertain significance. Last evaluated: 2020-06-24. Review status: criteria provided, single submitter. Criteria: ACMG Guidelines, 2015. Collection method: clinical testing. Allele origin: germline.

NM_030662.4(MAP2K2):c.205G>C (p.Asp69His)

Gene: MAP2K2 (mitogen-activated protein kinase kinase 2; minus strand). Cytogenetic location: 19p13.3.
Variant type: single nucleotide variant.
Coding change: c.205G>C on transcript NM_030662.4 (MANE Select); coding-DNA position 205, G replaced by C.
Protein change: p.Asp69His; replaces aspartic acid 69 with histidine.
Molecular consequence: missense variant.
Genome position (GRCh38, 1-based): chr19:4,117,517, C>G on the plus strand (G>C on the coding strand, the complement: MAP2K2 is on the minus strand). VCF-style: chr19-4117517-C-G. GRCh37 (hg19) VCF-style: chr19-4117515-C-G.
Other names: short protein forms D69H.
Identifiers: ClinVar variation 2728999 (VCV002728999.5), dbSNP rs1427916025, ClinGen allele CA403392614.